The following is an entry in ClinVar:

ClinVar aggregate classification (germline): Benign/Likely benign. Review status: criteria provided, multiple submitters, no conflicts (2 of 4 stars). 4 submissions from 4 submitters: Benign (2); Likely benign (1). 1 of the submissions does not count toward it. Last evaluated 2026-02-01.

Conditions:
POC1B-related disorder. Also called: POC1B-related condition.

Allele frequency attached by ClinVar (database versions not stated): TOPMed 0.00354; 1000 Genomes Project 0.00359; 1000 Genomes Project 30x 0.00390; gnomAD exomes 0.00081; ExAC 0.00141; gnomAD 0.00289 and 0.00302; ESP Exome Variant Server 0.00323.
gnomAD v4.1: 876 of 1,582,182 alleles (0.055%); highest among the groups gnomAD compares: African/African-American, 1%; 5 homozygotes.

Submissions (4):

Labcorp Genetics (formerly Invitae), Labcorp
Classification: Benign. Last evaluated: 2026-02-01. Review status: criteria provided, single submitter. Criteria: Invitae Variant Classification Sherloc (09022015). Collection method: clinical testing. Allele origin: germline.

Blueprint Genetics
Classification: Likely benign. Last evaluated: 2024-11-27. Review status: criteria provided, single submitter. Criteria: ACMG Guidelines, 2015. Collection method: clinical testing. Allele origin: germline.

Breakthrough Genomics
Classification: Benign. Review status: criteria provided, single submitter. Criteria: ACMG Guidelines, 2015. Collection method: not provided. Allele origin: germline. Inheritance: Autosomal recessive inheritance. Affected: yes.

PreventionGenetics, part of Exact Sciences
Classification: Benign for POC1B-related condition. Last evaluated: 2019-04-16. Review status: no assertion criteria provided. Collection method: clinical testing. Allele origin: germline. Not counted in ClinVar's aggregate classification.
Comment: This variant is classified as benign based on ACMG/AMP sequence variant interpretation guidelines (Richards et al. 2015 PMID: 25741868, with internal and published modifications).

NM_172240.3(POC1B):c.1433G>T (p.Ser478Ile)

Genes: POC1B (POC1 centriolar protein B; minus strand), POC1B-DUSP6 (POC1B-DUSP6 readthrough; minus strand). Cytogenetic location: 12q21.33.
Variant type: single nucleotide variant.
Coding change: c.1433G>T on transcript NM_172240.3 (MANE Select); coding-DNA position 1433, G replaced by T.
Protein change: p.Ser478Ile; replaces serine 478 with isoleucine.
Molecular consequence: missense variant. On other transcripts: non-coding transcript variant (2).
Genome position (GRCh38, 1-based): chr12:89,421,157, C>A on the plus strand (G>T on the coding strand, the complement: POC1B is on the minus strand). VCF-style: chr12-89421157-C-A. GRCh37 (hg19) VCF-style: chr12-89814934-C-A.
Other names: c.1307G>T, p.Ser436Ile (NM_001199777.2); short protein forms S478I, S436I.
Identifiers: ClinVar variation 733918 (VCV000733918.15), dbSNP rs61748629, ClinGen allele CA6714167.